The following is an entry in ClinVar:

NM_005263.5(GFI1):c.617C>A (p.Ala206Glu)

Gene: GFI1 (growth factor independent 1 transcriptional repressor; minus strand). Cytogenetic location: 1p22.1.
Variant type: single nucleotide variant.
Coding change: c.617C>A on transcript NM_005263.5 (MANE Select); coding-DNA position 617, C replaced by A.
Protein change: p.Ala206Glu; replaces alanine 206 with glutamic acid.
Molecular consequence: missense variant.
Genome position (GRCh38, 1-based): chr1:92,480,770, G>T on the plus strand (C>A on the coding strand, the complement: GFI1 is on the minus strand). VCF-style: chr1-92480770-G-T. GRCh37 (hg19) VCF-style: chr1-92946327-G-T.
Other names: c.617C>A, p.Ala206Glu (NM_001127215.3, NM_001127216.3); short protein forms A206E.
Identifiers: ClinVar variation 2856736 (VCV002856736.3), dbSNP rs368471074, ClinGen allele CA341149475.

ClinVar aggregate classification (germline): Uncertain significance (1 of 4 stars; one submission).

Conditions:
Neutropenia, severe congenital, 2, autosomal dominant. Identifiers: Orphanet 486, MedGen C2751288, MONDO:0013139, OMIM 613107.

Submission:

Labcorp Genetics (formerly Invitae), Labcorp
Classification: Uncertain significance for Neutropenia, severe congenital, 2, autosomal dominant. Last evaluated: 2023-04-15. Review status: criteria provided, single submitter. Criteria: Invitae Variant Classification Sherloc (09022015). Collection method: clinical testing. Allele origin: germline.
Comment: In summary, the available evidence is currently insufficient to determine the role of this variant in disease. Therefore, it has been classified as a Variant of Uncertain Significance. Advanced modeling of protein sequence and biophysical properties (such as structural, functional, and spatial information, amino acid conservation, physicochemical variation, residue mobility, and thermodynamic stability) performed at Invitae indicates that this missense variant is not expected to disrupt GFI1 protein function. This variant has not been reported in the literature in individuals affected with GFI1-related conditions. This variant is not present in population databases (gnomAD no frequency). This sequence change replaces alanine, which is neutral and non-polar, with glutamic acid, which is acidic and polar, at codon 206 of the GFI1 protein (p.Ala206Glu).